The following is an entry in ClinVar:

ClinVar aggregate classification (germline): Uncertain significance. Review status: criteria provided, multiple submitters, no conflicts (2 of 4 stars). 5 submissions from 5 submitters: Uncertain significance (3). 2 of the submissions do not count toward it. Last evaluated 2025-11-24.

Conditions:
Familial adenomatous polyposis 1 (FAP1). Also called: FAMILIAL ADENOMATOUS POLYPOSIS 1, ATTENUATED; POLYPOSIS, ADENOMATOUS INTESTINAL. Identifiers: MedGen C2713442, MONDO:0021056, OMIM 175100. Disease mechanism: loss of function.
Hereditary cancer-predisposing syndrome. Also called: Tumor predisposition; Hereditary neoplastic syndrome; Neoplastic Syndromes, Hereditary; Hereditary Cancer Syndrome. Identifiers: Orphanet 140162, MedGen C0027672, MeSH D009386, MONDO:0015356.

Allele frequency attached by ClinVar (database versions not stated): gnomAD exomes below 0.00001.
gnomAD v4.1: 4 of 1,614,004 alleles (0.00025%); highest among the groups gnomAD compares: Non-Finnish European, 0.00034%; no homozygotes.

Submissions (5):

Ambry Genetics
Classification: Uncertain significance for Hereditary cancer-predisposing syndrome. Last evaluated: 2025-11-24. Review status: criteria provided, single submitter. Criteria: Ambry Variant Classification Scheme 2023. Collection method: clinical testing. Allele origin: germline.
Comment: The p.K1915E variant (also known as c.5743A>G), located in coding exon 15 of the APC gene, results from an A to G substitution at nucleotide position 5743. The lysine at codon 1915 is replaced by glutamic acid, an amino acid with similar properties. This variant was identified in a cohort of 681 ancestrally diverse, healthy subjects (Bodian DL et al. PLoS ONE. 2014 Apr;9:e94554). This amino acid position is highly conserved through mammals but not in all available vertebrate species. In addition, in silico predictors for this gene do not accurately predict pathogenicity. Since supporting evidence is limited at this time, the clinical significance of this alteration remains unclear.

Labcorp Genetics (formerly Invitae), Labcorp
Classification: Uncertain significance for Familial adenomatous polyposis 1. Last evaluated: 2024-04-15. Review status: criteria provided, single submitter. Criteria: Invitae Variant Classification Sherloc (09022015). Collection method: clinical testing. Allele origin: germline.
Comment: This sequence change replaces lysine, which is basic and polar, with glutamic acid, which is acidic and polar, at codon 1915 of the APC protein (p.Lys1915Glu). This variant is not present in population databases (gnomAD no frequency). This variant has not been reported in the literature in individuals affected with APC-related conditions. ClinVar contains an entry for this variant (Variation ID: 133511). Advanced modeling of protein sequence and biophysical properties (such as structural, functional, and spatial information, amino acid conservation, physicochemical variation, residue mobility, and thermodynamic stability) performed at Invitae indicates that this missense variant is not expected to disrupt APC protein function with a negative predictive value of 95%. In summary, the available evidence is currently insufficient to determine the role of this variant in disease. Therefore, it has been classified as a Variant of Uncertain Significance.

Myriad Genetics, Inc.
Classification: Uncertain significance for Familial adenomatous polyposis 1. Last evaluated: 2023-02-22. Review status: criteria provided, single submitter. Criteria: Myriad Autosomal Dominant, Autosomal Recessive and X-Linked Classification Criteria (2023). Collection method: clinical testing. Allele origin: unknown.
Comment: This variant is classified as a variant of uncertain significance as there is insufficient evidence to determine its impact on protein function and/or cancer risk.

Counsyl
Classification: Uncertain significance for Familial adenomatous polyposis 1. Last evaluated: 2017-02-14. Review status: no assertion criteria provided. Collection method: clinical testing. Allele origin: unknown. Not counted in ClinVar's aggregate classification.

ITMI
No classification provided. Condition: AllHighlyPenetrant. Last evaluated: 2013-09-19. Review status: no classification provided. Collection method: reference population. Allele origin: germline. Not counted in ClinVar's aggregate classification.
Comment: Please see associated publication for description of ethnicities

Literature cited by the submitters: PubMed 24728327 (cited by 3 submitters).

NM_000038.6(APC):c.5743A>G (p.Lys1915Glu)

Gene: APC (APC regulator of Wnt signaling pathway; plus strand). Cytogenetic location: 5q22.2.
Variant type: single nucleotide variant.
Coding change: c.5743A>G on transcript NM_000038.6 (MANE Select); coding-DNA position 5743, A replaced by G.
Protein change: p.Lys1915Glu; replaces lysine 1915 with glutamic acid.
Molecular consequence: missense variant.
Genome position (GRCh38, 1-based): chr5:112,841,337, A>G. VCF-style: chr5-112841337-A-G. GRCh37 (hg19) VCF-style: chr5-112177034-A-G.
Other names: c.5743A>G, p.Lys1915Glu (NM_001127510.3, NM_001354895.2); c.5689A>G, p.Lys1897Glu (NM_001127511.3); c.5797A>G, p.Lys1933Glu (NM_001354896.2); c.5773A>G, p.Lys1925Glu (NM_001354897.2); c.5668A>G, p.Lys1890Glu (NM_001354898.2); c.5659A>G, p.Lys1887Glu (NM_001354899.2); c.5620A>G, p.Lys1874Glu (NM_001354900.2); c.5566A>G, p.Lys1856Glu (NM_001354901.2); and 5 more; short protein forms K1897E, K1915E, K1824E, K1887E, K1890E, K1925E, K1933E, K1789E.
Identifiers: ClinVar variation 133511 (VCV000133511.12), dbSNP rs587778031, ClinGen allele CA010620.